The following is an entry in ClinVar:

ClinVar aggregate classification (germline): Pathogenic (1 of 4 stars; one submission).

Submission:

Labcorp Genetics (formerly Invitae), Labcorp
Classification: Pathogenic. Last evaluated: 2025-07-23. Review status: criteria provided, single submitter. Criteria: Invitae Variant Classification Sherloc (09022015). Collection method: clinical testing. Allele origin: germline.
Comment: This sequence change creates a premature translational stop signal (p.Gln1263*) in the COL27A1 gene. It is expected to result in an absent or disrupted protein product. Loss-of-function variants in COL27A1 are known to be pathogenic (PMID: 24986830, 28276056). Information on the frequency of this variant in the gnomAD database is not available, as this variant may be reported differently in the database. This variant has not been reported in the literature in individuals affected with COL27A1-related conditions. ClinVar contains an entry for this variant (Variation ID: 2710196). For these reasons, this variant has been classified as Pathogenic.

Literature cited by the submitters: PubMed 24986830; PubMed 28276056.

NM_032888.4(COL27A1):c.3786_3787delinsCT (p.Gln1263Ter)

Gene: COL27A1 (collagen type XXVII alpha 1 chain; plus strand). Cytogenetic location: 9q32.
Variant type: Indel.
Coding change: c.3786_3787delinsCT on transcript NM_032888.4 (MANE Select); coding-DNA positions 3786 to 3787, TC replaced by CT.
Protein change: p.Gln1263Ter; replaces glutamine 1263 with a stop codon.
Molecular consequence: nonsense.
Genome position (GRCh38, 1-based): chr9:114,282,471-114,282,472, TC replaced by CT. VCF-style: chr9-114282471-TC-CT. GRCh37 (hg19) VCF-style: chr9-117044751-TC-CT.
Other names: short protein forms Q1263*.
Identifiers: ClinVar variation 2710196 (VCV002710196.3), dbSNP rs2491545342, ClinGen allele CA2697558020.